The following is an entry in ClinVar:

NM_006231.4(POLE):c.2471C>G (p.Ala824Gly)

Gene: POLE (DNA polymerase epsilon, catalytic subunit; minus strand). Cytogenetic location: 12q24.33.
Variant type: single nucleotide variant.
Coding change: c.2471C>G on transcript NM_006231.4 (MANE Select); coding-DNA position 2471, C replaced by G.
Protein change: p.Ala824Gly; replaces alanine 824 with glycine.
Molecular consequence: missense variant.
Genome position (GRCh38, 1-based): chr12:132,664,460, G>C on the plus strand (C>G on the coding strand, the complement: POLE is on the minus strand). VCF-style: chr12-132664460-G-C. GRCh37 (hg19) VCF-style: chr12-133241046-G-C.
Other names: short protein forms A824G.
Identifiers: ClinVar variation 4712723 (VCV004712723.1).

ClinVar aggregate classification (germline): Uncertain significance (1 of 4 stars; one submission).

Submission:

Labcorp Genetics (formerly Invitae), Labcorp
Classification: Uncertain significance. Last evaluated: 2025-02-12. Review status: criteria provided, single submitter. Criteria: Invitae Variant Classification Sherloc (09022015). Collection method: clinical testing. Allele origin: germline.
Comment: This sequence change replaces alanine, which is neutral and non-polar, with glycine, which is neutral and non-polar, at codon 824 of the POLE protein (p.Ala824Gly). This variant is not present in population databases (gnomAD no frequency). This variant has not been reported in the literature in individuals affected with POLE-related conditions. An algorithm developed to predict the effect of missense changes on protein structure and function (PolyPhen-2) suggests that this variant is likely to be disruptive. In summary, the available evidence is currently insufficient to determine the role of this variant in disease. Therefore, it has been classified as a Variant of Uncertain Significance.